The following is an entry in ClinVar:

NM_004230.4(S1PR2):c.985C>T (p.Arg329Cys)

Gene: S1PR2 (sphingosine-1-phosphate receptor 2; minus strand). Cytogenetic location: 19p13.2.
Variant type: single nucleotide variant.
Coding change: c.985C>T on transcript NM_004230.4 (MANE Select); coding-DNA position 985, C replaced by T.
Protein change: p.Arg329Cys; replaces arginine 329 with cysteine.
Molecular consequence: missense variant.
Genome position (GRCh38, 1-based): chr19:10,223,921, G>A on the plus strand (C>T on the coding strand, the complement: S1PR2 is on the minus strand). VCF-style: chr19-10223921-G-A. GRCh37 (hg19) VCF-style: chr19-10334597-G-A.
Other names: short protein forms R329C.
Identifiers: ClinVar variation 1301661 (VCV001301661.21), dbSNP rs765378016, ClinGen allele CA9188958.
Genomic context (GRCh38, chr19:10,223,921, plus strand): 5'-CCTCCAGAAACGTGGGTGACGTGGGCATGTGCATGCCCCTCTCCAGGGAGCTGGAGCTGC[G>A]GAGTGGCAGGAGGTGGTGGCCCGGGGTCCCGCCCCGCCTCCGTCCTTGCACCCCCACCCC-3'
Protein context (NP_004221.3, residues 319-339): GTPGHHLLPL[Arg329Cys]SSSSLERGMH

ClinVar aggregate classification (germline): Uncertain significance. Review status: criteria provided, multiple submitters, no conflicts (2 of 4 stars). 2 submissions from 2 submitters: Uncertain significance (2). Last evaluated 2024-05-01.

Conditions:
Autosomal recessive nonsyndromic hearing loss 68. Also called: Deafness, autosomal recessive 68. Identifiers: Orphanet 90636, MedGen C1835854, MONDO:0012485, OMIM 610419.

Allele frequency attached by ClinVar (database versions not stated): gnomAD 0.00001 and 0.00002; gnomAD exomes 0.00002 and 0.00003; ExAC 0.00003; TOPMed 0.00003.
gnomAD v4.1: 38 of 1,601,700 alleles (0.0024%); highest among the groups gnomAD compares: Middle Eastern, 0.054%; no homozygotes.

Submissions (2):

CeGaT Center for Human Genetics Tuebingen
Classification: Uncertain significance. Last evaluated: 2024-05-01. Review status: criteria provided, single submitter. Criteria: CeGaT Center For Human Genetics Tuebingen Variant Classification Criteria Version 2. Collection method: clinical testing. Allele origin: germline. Affected: yes. Observed: 1 variant allele.
Comment: S1PR2: PM2:Supporting, BP4

Dubai Health Genomic Medicine Center, Dubai Health
Classification: Uncertain significance for Autosomal recessive nonsyndromic hearing loss 68. Last evaluated: 2020-02-11. Review status: criteria provided, single submitter. Criteria: ACMG Guidelines, 2015. Collection method: clinical testing. Allele origin: germline. Affected: yes.
Comment: The p. Arg329Cys variant in S1PR2 has not been previously reported in individuals with hearing loss but has been identified in 0.003% (7/239530 0 homozygotes) total alleles by the Genome Aggregation Database (gnomAD). Computational prediction tools and conservation analysis suggest that this variant may impact the protein though this information is not predictive enough to prove pathogenicity. In summary more information is needed to determine the clinical significance of this variant.